The following is an entry in ClinVar:

ClinVar aggregate classification (germline): Likely pathogenic (1 of 4 stars; one submission).

Conditions:
Polyglandular autoimmune syndrome, type 1 (APS1). Also called: AUTOIMMUNE POLYENDOCRINE SYNDROME, TYPE I, WITH OR WITHOUT REVERSIBLE METAPHYSEAL DYSPLASIA; APS I; HYPOADRENOCORTICISM WITH HYPOPARATHYROIDISM AND SUPERFICIAL MONILIASIS; PGA I; Whitaker syndrome; Autoimmune polyendocrinopathy syndrome, type I. Identifiers: Orphanet 3453, MedGen C0085859, MONDO:0009411, OMIM 240300.

Submission:

Myriad Genetics, Inc.
Classification: Likely pathogenic for Polyglandular autoimmune syndrome, type 1. Last evaluated: 2019-12-07. Review status: criteria provided, single submitter. Criteria: Myriad Women's Health Autosomal Recessive and X-Linked Classification Criteria (2019). Collection method: clinical testing. Allele origin: unknown.
Comment: NM_000383.3(AIRE):c.1257T>A(C419*) is expected to be pathogenic in the context of autoimmune polyglandular syndrome type 1. This variant is predicted to lead to an abnormal or absent protein product due to the creation of a premature termination codon in AIRE, a gene where loss-of-function variants are known to be pathogenic. Please note: this variant was assessed in the context of healthy population screening.

NM_000383.4(AIRE):c.1257T>A (p.Cys419Ter)

Gene: AIRE (autoimmune regulator; plus strand). Cytogenetic location: 21q22.3.
Variant type: single nucleotide variant.
Coding change: c.1257T>A on transcript NM_000383.4 (MANE Select); coding-DNA position 1257, T replaced by A.
Protein change: p.Cys419Ter; replaces cysteine 419 with a stop codon.
Molecular consequence: nonsense.
Genome position (GRCh38, 1-based): chr21:44,293,154, T>A. VCF-style: chr21-44293154-T-A. GRCh37 (hg19) VCF-style: chr21-45713037-T-A.
Other names: short protein forms C419*.
Identifiers: ClinVar variation 983807 (VCV000983807.3), dbSNP rs2040561421, ClinGen allele CA410425547.